The following is an entry in ClinVar:

NM_000051.4(ATM):c.2639-384A>T

Gene: ATM (ATM serine/threonine kinase; plus strand). Cytogenetic location: 11q22.3.
Variant type: single nucleotide variant.
Coding change: c.2639-384A>T on transcript NM_000051.4 (MANE Select); 384 bases into the intron before coding-DNA position 2639, A replaced by T.
Molecular consequence: intron variant.
Genome position (GRCh38, 1-based): chr11:108,268,026, A>T. VCF-style: chr11-108268026-A-T. GRCh37 (hg19) VCF-style: chr11-108138753-A-T.
Other names: c.2639-384A>T (NM_001351834.2).
Identifiers: ClinVar variation 490484 (VCV000490484.9), dbSNP rs1131691154, ClinGen allele CA658683751.

ClinVar aggregate classification (germline): Benign/Likely benign. Review status: criteria provided, multiple submitters, no conflicts (2 of 4 stars). 3 submissions from 3 submitters: Benign (1); Likely benign (2). Last evaluated 2025-11-04.

Conditions:
Hereditary cancer-predisposing syndrome. Also called: Tumor predisposition; Neoplastic Syndromes, Hereditary; Hereditary Cancer Syndrome; Hereditary neoplastic syndrome. Identifiers: Orphanet 140162, MedGen C0027672, MeSH D009386, MONDO:0015356.
Familial cancer of breast. Also called: BREAST CANCER, FAMILIAL; hereditary breast carcinoma; Hereditary breast cancer. Identifiers: Orphanet 227535, MedGen C0346153, MONDO:0016419, OMIM 114480. Disease mechanism: loss of function.
Ataxia-telangiectasia syndrome (AT). Also called: Ataxia-telangiectasia; Ataxia-telangiectasia, complementation group D; AT, COMPLEMENTATION GROUP C; LOUIS-BAR SYNDROME; Cerebello-oculocutaneous telangiectasia; Immunodeficiency with ataxia telangiectasia. Identifiers: Orphanet 100, MedGen C0004135, MONDO:0008840, OMIM 208900.

Allele frequency attached by ClinVar (database versions not stated): TOPMed 0.00001.
gnomAD v4.1: 1 of 152,234 alleles (0.00066%); highest among the groups gnomAD compares: Non-Finnish European, 0.0015%; no homozygotes.

Submissions (3):

Labcorp Genetics (formerly Invitae), Labcorp
Classification: Likely benign for Ataxia-telangiectasia syndrome. Last evaluated: 2025-11-04. Review status: criteria provided, single submitter. Criteria: Invitae Variant Classification Sherloc (09022015). Collection method: clinical testing. Allele origin: germline.

Myriad Genetics, Inc.
Classification: Benign for Familial cancer of breast. Last evaluated: 2024-05-10. Review status: criteria provided, single submitter. Criteria: Myriad Autosomal Dominant, Autosomal Recessive and X-Linked Classification Criteria (2023). Collection method: clinical testing. Allele origin: unknown.
Comment: This variant is considered benign. This variant is intronic and is not expected to impact mRNA splicing.

Color Diagnostics, LLC DBA Color Health
Classification: Likely benign for Hereditary cancer-predisposing syndrome. Last evaluated: 2017-03-28. Review status: criteria provided, single submitter. Criteria: ACMG Guidelines, 2015. Collection method: clinical testing. Allele origin: germline.